The following is an entry in ClinVar:

NM_014550.4(CARD10):c.462G>A (p.Glu154=)

Gene: CARD10 (caspase recruitment domain family member 10; minus strand). Cytogenetic location: 22q13.1.
Variant type: single nucleotide variant.
Coding change: c.462G>A on transcript NM_014550.4 (MANE Select); coding-DNA position 462, G replaced by A.
Protein change: p.Glu154=; no amino-acid change (glutamic acid 154 retained).
Molecular consequence: synonymous variant.
Genome position (GRCh38, 1-based): chr22:37,516,210, C>T on the plus strand (G>A on the coding strand, the complement: CARD10 is on the minus strand). VCF-style: chr22-37516210-C-T. GRCh37 (hg19) VCF-style: chr22-37912217-C-T.
Identifiers: ClinVar variation 3053216 (VCV003053216.2), dbSNP rs200266181, ClinGen allele CA10220173.

ClinVar aggregate classification (germline): Likely benign (0 of 4 stars; one submission).

Conditions:
CARD10-related disorder. Also called: CARD10-related condition.

Allele frequency attached by ClinVar (database versions not stated): TOPMed 0.00007; ESP Exome Variant Server 0.00008; gnomAD exomes 0.00029; gnomAD 0.00045; 1000 Genomes Project 30x 0.00047; 1000 Genomes Project 0.00060; ExAC 0.00136.
gnomAD v4.1: 506 of 1,599,208 alleles (0.032%); highest among the groups gnomAD compares: Non-Finnish European, 0.013%; 2 homozygotes.

Submission:

PreventionGenetics, part of Exact Sciences
Classification: Likely benign for CARD10-related condition. Last evaluated: 2019-08-15. Review status: no assertion criteria provided. Collection method: clinical testing. Allele origin: germline.
Comment: This variant is classified as likely benign based on ACMG/AMP sequence variant interpretation guidelines (Richards et al. 2015 PMID: 25741868, with internal and published modifications).